The following is an entry in ClinVar:

ClinVar aggregate classification (germline): Pathogenic/Likely pathogenic. Review status: criteria provided, multiple submitters, no conflicts (2 of 4 stars). 5 submissions from 5 submitters: Pathogenic (1); Likely pathogenic (2). 2 of the submissions do not count toward it. Last evaluated 2024-03-08.

Conditions:
Bruck syndrome 1 (BRKS1). Also called: ARTHROGRYPOSIS-LIKE DISORDER. Identifiers: Orphanet 1149, Orphanet 2771, MedGen C1850168, MONDO:0009806, OMIM 259450.
Osteogenesis imperfecta type 11. Also called: OI, TYPE XI; Osteogenesis imperfecta, type XI. Identifiers: Orphanet 666, MedGen C3151218, MONDO:0012592, OMIM 610968.
FKBP10-related disorders.

Submissions (5):

Fulgent Genetics
Classification: Likely pathogenic for Bruck syndrome 1; Osteogenesis imperfecta type 11. Last evaluated: 2024-03-08. Review status: criteria provided, single submitter. Criteria: ACMG Guidelines, 2015. Collection method: clinical testing. Allele origin: germline.

Laboratory of Medical Genetics, National & Kapodistrian University of Athens
Classification: Pathogenic for Bruck syndrome 1. Last evaluated: 2021-10-05. Review status: criteria provided, single submitter. Criteria: ACMG Guidelines, 2015. Collection method: clinical testing. Allele origin: unknown. Affected: yes.
Comment: PVS1, PM2, PP5

Blueprint Genetics
Classification: Likely pathogenic for FKBP10-related disorders. Last evaluated: 2017-11-09. Review status: criteria provided, single submitter. Criteria: ACMG Guidelines, 2015. Collection method: clinical testing. Allele origin: germline. Affected: yes. Observed: 1 variant allele.

Institute of Human Genetics, Cologne University
Classification: Pathogenic for Osteogenesis imperfecta type 11. Review status: no assertion criteria provided. Collection method: clinical testing. Allele origin: germline. Affected: yes. Not counted in ClinVar's aggregate classification.

Lupski Lab, Baylor-Hopkins CMG, Baylor College of Medicine
Classification: Likely pathogenic for Bruck syndrome 1. Review status: no assertion criteria provided. Collection method: research. Allele origin: inherited. Inheritance: Autosomal recessive inheritance. Affected: yes. Observed: 4 variant alleles, 3 heterozygotes, 1 homozygote. Not counted in ClinVar's aggregate classification.

NM_021939.4(FKBP10):c.890_897dup (p.Gly300Ter)

Gene: FKBP10 (FKBP prolyl isomerase 10; plus strand). Cytogenetic location: 17q21.2.
Variant type: Duplication.
Coding change: c.890_897dup on transcript NM_021939.4 (MANE Select); coding-DNA positions 890 to 897, 8 bases duplicated (TGATGGAC; older notation c.890_897dupTGATGGAC).
Protein change: p.Gly300Ter; replaces glycine 300 with a stop codon.
Molecular consequence: nonsense.
Genome position (GRCh38, 1-based): chr17:41,819,372-41,819,379, TGATGGAC duplicated. VCF-style (leftmost placement, unchanged base first): chr17-41819371-T-TTGATGGAC. GRCh37 (hg19) VCF-style: chr17-39975623-T-TTGATGGAC.
Other names: c.890_897dupTGATGGAC (NM_021939.3, NM_021939.4); short protein forms G300*.
Identifiers: ClinVar variation 631496 (VCV000631496.5), dbSNP rs1567855132, ClinGen allele CA913191097.
Genomic context (GRCh38, chr17:41,819,371, plus strand): 5'-CCCGGCTGTGTCCGCAGAGCCGGGGCCGGGGACTTCATGCGCTACCACTACAATGGCTCC[T>TTGATGGAC]TGATGGACGGCACCCTCTTCGATTCCAGGTCAGGAGGGTCTTGAGGTGGGAGGGCGGGGG-3'